The following is an entry in ClinVar:

NM_000059.4(BRCA2):c.3904A>T (p.Thr1302Ser)

Gene: BRCA2 (BRCA2 DNA repair associated; plus strand). Cytogenetic location: 13q13.1.
Variant type: single nucleotide variant.
Coding change: c.3904A>T on transcript NM_000059.4 (MANE Select); coding-DNA position 3904, A replaced by T.
Protein change: p.Thr1302Ser; replaces threonine 1302 with serine.
Molecular consequence: missense variant.
Genome position (GRCh38, 1-based): chr13:32,338,259, A>T. VCF-style: chr13-32338259-A-T. GRCh37 (hg19) VCF-style: chr13-32912396-A-T.
Other names: short protein forms T1302S.
Identifiers: ClinVar variation 628305 (VCV000628305.17), dbSNP rs543339423, ClinGen allele CA6940733.
Genomic context (GRCh38, chr13:32,338,259, plus strand): 5'-ACTGTAAGTGAAAAAAATAATAAATGCCAACTGATATTACAAAATAATATTGAAATGACT[A>T]CTGGCACTTTTGTTGAAGAAATTACTGAAAATTACAAGAGAAATACTGAAAATGAAGATA-3'
Protein context (NP_000050.3, residues 1292-1312): LILQNNIEMT[Thr1302Ser]GTFVEEITEN

ClinVar aggregate classification (germline): Conflicting classifications of pathogenicity. Review status: criteria provided, conflicting classifications (1 of 4 stars). 5 submissions from 5 submitters: Uncertain significance (2); Likely benign (3). Last evaluated 2023-12-04.

Conditions:
Hereditary breast ovarian cancer syndrome. Also called: Hereditary breast and ovarian cancer syndrome; Hereditary breast and ovarian cancer; Hereditary breast and ovarian cancer syndrome (HBOC); Breast and ovarian cancer; Hereditary breast and/or ovarian cancer syndrome; BRCA1- and BRCA2-Associated Hereditary Breast and Ovarian Cancer. Identifiers: Orphanet 145, MedGen C0677776, MeSH D061325, MONDO:0003582. Disease mechanism: loss of function.
Hereditary cancer-predisposing syndrome. Also called: Neoplastic Syndromes, Hereditary; Tumor predisposition; Hereditary neoplastic syndrome; Hereditary Cancer Syndrome. Identifiers: Orphanet 140162, MedGen C0027672, MeSH D009386, MONDO:0015356.

Allele frequency attached by ClinVar (database versions not stated): TOPMed 0.00001; gnomAD exomes 0.00003; ExAC 0.00006; 1000 Genomes Project 30x 0.00016; 1000 Genomes Project 0.00020.
gnomAD v4.1: 14 of 1,561,060 alleles (0.0009%); highest among the groups gnomAD compares: South Asian, 0.017%; 1 homozygote.

Submissions (5):

Color Diagnostics, LLC DBA Color Health
Classification: Uncertain significance for Hereditary cancer-predisposing syndrome. Last evaluated: 2023-12-04. Review status: criteria provided, single submitter. Criteria: ACMG Guidelines, 2015. Collection method: clinical testing. Allele origin: germline.
Comment: This missense variant replaces threonine with serine at codon 1302 of the BRCA2 protein. Computational prediction suggests that this variant may not impact protein structure and function (internally defined REVEL score threshold <= 0.5, PMID: 27666373). To our knowledge, functional studies have not been reported for this variant. This variant has not been reported in individuals affected with BRCA2-related disorders in the literature. This variant has been identified in 7/207858 chromosomes in the general population by the Genome Aggregation Database (gnomAD). The available evidence is insufficient to determine the role of this variant in disease conclusively. Therefore, this variant is classified as a Variant of Uncertain Significance.

Labcorp Genetics (formerly Invitae), Labcorp
Classification: Likely benign for Hereditary breast ovarian cancer syndrome. Last evaluated: 2023-11-15. Review status: criteria provided, single submitter. Criteria: Invitae Variant Classification Sherloc (09022015). Collection method: clinical testing. Allele origin: germline.

GeneDx
Classification: Uncertain significance. Last evaluated: 2023-06-05. Review status: criteria provided, single submitter. Criteria: GeneDx Variant Classification Process June 2021. Collection method: clinical testing. Allele origin: germline. Affected: yes.
Comment: In silico analysis supports that this missense variant has a deleterious effect on protein structure/function; Has not been previously published as pathogenic or benign to our knowledge; Also known as 4132A>T

University of Washington Department of Laboratory Medicine, University of Washington
Classification: Likely benign for Hereditary cancer-predisposing syndrome. Last evaluated: 2023-03-23. Review status: criteria provided, single submitter. Criteria: Dines et al. (Genet Med. 2020). Collection method: curation. Allele origin: germline.
Comment: Missense variant in a coldspot region where missense variants are very unlikely to be pathogenic (PMID:31911673).

BRCA2 exon 11 coldspot. Reclassification based on statistical prior probability.

Ambry Genetics
Classification: Likely benign for Hereditary cancer-predisposing syndrome. Last evaluated: 2021-10-15. Review status: criteria provided, single submitter. Criteria: Ambry Variant Classification Scheme 2023. Collection method: clinical testing. Allele origin: germline.